The following is an entry in ClinVar:

NM_001042545.2(LTBP4):c.4129C>A (p.Pro1377Thr)

Gene: LTBP4 (latent transforming growth factor beta binding protein 4; plus strand). Cytogenetic location: 19q13.2.
Variant type: single nucleotide variant.
Coding change: c.4129C>A on transcript NM_001042545.2 (MANE Select); coding-DNA position 4129, C replaced by A.
Protein change: p.Pro1377Thr; replaces proline 1377 with threonine.
Molecular consequence: missense variant.
Genome position (GRCh38, 1-based): chr19:40,627,118, C>A. VCF-style: chr19-40627118-C-A. GRCh37 (hg19) VCF-style: chr19-41133023-C-A.
Other names: c.4330C>A, p.Pro1444Thr (NM_001042544.1); c.4219C>A, p.Pro1407Thr (NM_003573.2); short protein forms P1444T, P1377T, P1407T.
Identifiers: ClinVar variation 1363687 (VCV001363687.6), dbSNP rs1331356173, ClinGen allele CA405910980.

ClinVar aggregate classification (germline): Uncertain significance (1 of 4 stars; one submission).

Allele frequency attached by ClinVar (database versions not stated): gnomAD exomes below 0.00001; TOPMed below 0.00001; gnomAD 0.00001.
gnomAD v4.1: 2 of 1,613,856 alleles (0.00012%); highest among the groups gnomAD compares: Non-Finnish European, 0.00017%; no homozygotes.

Submission:

Labcorp Genetics (formerly Invitae), Labcorp
Classification: Uncertain significance. Last evaluated: 2025-12-11. Review status: criteria provided, single submitter. Criteria: Invitae Variant Classification Sherloc (09022015). Collection method: clinical testing. Allele origin: germline.
Comment: This sequence change replaces proline, which is neutral and non-polar, with threonine, which is neutral and polar, at codon 1407 of the LTBP4 protein (p.Pro1407Thr). This variant is not present in population databases (gnomAD no frequency). This variant has not been reported in the literature in individuals affected with LTBP4-related conditions. ClinVar contains an entry for this variant (Variation ID: 1363687). Experimental studies and prediction algorithms are not available or were not evaluated, and the functional significance of this variant is currently unknown. In summary, the available evidence is currently insufficient to determine the role of this variant in disease. Therefore, it has been classified as a Variant of Uncertain Significance.